The following is an entry in ClinVar:

NM_001114753.3(ENG):c.1136A>G (p.His379Arg)

Genes: ENG (endoglin; minus strand), LOC102723566 (uncharacterized LOC102723566; plus strand). Cytogenetic location: 9q34.11.
Variant type: single nucleotide variant.
Coding change: c.1136A>G on transcript NM_001114753.3 (MANE Select); coding-DNA position 1136, A replaced by G.
Protein change: p.His379Arg; replaces histidine 379 with arginine.
Molecular consequence: missense variant.
Genome position (GRCh38, 1-based): chr9:127,820,036, T>C on the plus strand (A>G on the coding strand, the complement: ENG is on the minus strand). VCF-style: chr9-127820036-T-C. GRCh37 (hg19) VCF-style: chr9-130582315-T-C.
Other names: c.1136A>G, p.His379Arg (NM_000118.4); c.590A>G, p.His197Arg (NM_001278138.2); short protein forms H197R, H379R.
Identifiers: ClinVar variation 4827228 (VCV004827228.1).

ClinVar aggregate classification (germline): Uncertain significance (1 of 4 stars; one submission).

Conditions:
Cardiovascular phenotype. Identifiers: MedGen CN230736.

Submission:

Ambry Genetics
Classification: Uncertain significance for Cardiovascular phenotype. Last evaluated: 2026-02-24. Review status: criteria provided, single submitter. Criteria: Ambry Variant Classification Scheme 2023. Collection method: clinical testing. Allele origin: germline.
Comment: The p.H379R variant (also known as c.1136A>G), located in coding exon 9 of the ENG gene, results from an A to G substitution at nucleotide position 1136. The histidine at codon 379 is replaced by arginine, an amino acid with highly similar properties. This amino acid position is conserved. In addition, this alteration is predicted to be tolerated by in silico analysis. Based on the available evidence, the clinical significance of this variant remains unclear.